The following is an entry in ClinVar:

ClinVar aggregate classification (germline): Uncertain significance. Review status: criteria provided, multiple submitters, no conflicts (2 of 4 stars). 4 submissions from 4 submitters: Uncertain significance (4). Last evaluated 2026-06-27.

Conditions:
Inborn genetic diseases. Identifiers: MedGen C0950123, MeSH D030342.
Nephronophthisis 15 (NPHP15). Identifiers: Orphanet 3156, MedGen C3541853, MONDO:0013917, OMIM 614845.
CEP164-related disorder. Also called: CEP164-related condition.

Allele frequency attached by ClinVar (database versions not stated): gnomAD exomes 0.00001 and 0.00003; ExAC 0.00003; gnomAD 0.00010 and 0.00014; TOPMed 0.00017; ESP Exome Variant Server 0.00023.
gnomAD v4.1: 30 of 1,614,132 alleles (0.0019%); highest among the groups gnomAD compares: African/African-American, 0.036%; no homozygotes.

Submissions (4):

PreventionGenetics, part of Exact Sciences
Classification: Uncertain significance for CEP164-related condition. Last evaluated: 2026-06-27. Review status: criteria provided, single submitter. Criteria: ACMG Guidelines, 2015. Collection method: clinical testing. Allele origin: germline.
Comment: The CEP164 c.944A>G variant is predicted to result in the amino acid substitution p.Glu315Gly. To our knowledge, this variant has not been reported in the literature. This variant is reported in 0.044% of alleles in individuals of African descent in gnomAD. At this time, the clinical significance of this variant is uncertain due to the absence of conclusive functional and genetic evidence.

Ambry Genetics
Classification: Uncertain significance for Inborn genetic diseases. Last evaluated: 2025-01-02. Review status: criteria provided, single submitter. Criteria: Ambry Variant Classification Scheme 2023. Collection method: clinical testing. Allele origin: germline.

Fulgent Genetics
Classification: Uncertain significance for Nephronophthisis 15. Last evaluated: 2024-05-24. Review status: criteria provided, single submitter. Criteria: ACMG Guidelines, 2015. Collection method: clinical testing. Allele origin: germline.

Labcorp Genetics (formerly Invitae), Labcorp
Classification: Uncertain significance for Nephronophthisis 15. Last evaluated: 2022-08-16. Review status: criteria provided, single submitter. Criteria: Invitae Variant Classification Sherloc (09022015). Collection method: clinical testing. Allele origin: germline.
Comment: In summary, the available evidence is currently insufficient to determine the role of this variant in disease. Therefore, it has been classified as a Variant of Uncertain Significance. Algorithms developed to predict the effect of missense changes on protein structure and function (SIFT, PolyPhen-2, Align-GVGD) all suggest that this variant is likely to be tolerated. ClinVar contains an entry for this variant (Variation ID: 1522615). This variant has not been reported in the literature in individuals affected with CEP164-related conditions. This variant is present in population databases (rs144767290, gnomAD 0.04%). This sequence change replaces glutamic acid, which is acidic and polar, with glycine, which is neutral and non-polar, at codon 315 of the CEP164 protein (p.Glu315Gly).

NM_014956.5(CEP164):c.944A>G (p.Glu315Gly)

Gene: CEP164 (centrosomal protein 164; plus strand). Cytogenetic location: 11q23.3.
Variant type: single nucleotide variant.
Coding change: c.944A>G on transcript NM_014956.5 (MANE Select); coding-DNA position 944, A replaced by G.
Protein change: p.Glu315Gly; replaces glutamic acid 315 with glycine.
Molecular consequence: missense variant.
Genome position (GRCh38, 1-based): chr11:117,371,258, A>G. VCF-style: chr11-117371258-A-G. GRCh37 (hg19) VCF-style: chr11-117241974-A-G.
Other names: c.944A>G (NM_014956.4); c.944A>G, p.Glu315Gly (NM_001271933.2); short protein forms E315G.
Identifiers: ClinVar variation 1522615 (VCV001522615.10), dbSNP rs144767290, ClinGen allele CA6294617.